The following is an entry in ClinVar:

ClinVar aggregate classification (germline): Likely benign (1 of 4 stars; one submission).

gnomAD v4.1: 11 of 1,608,476 alleles (0.00068%); highest among the groups gnomAD compares: African/African-American, 0.004%; no homozygotes.

Submission:

CeGaT Center for Human Genetics Tuebingen
Classification: Likely benign. Last evaluated: 2025-11-01. Review status: criteria provided, single submitter. Criteria: CeGaT Center For Human Genetics Tuebingen Variant Classification Criteria Version 2. Collection method: clinical testing. Allele origin: germline. Affected: yes. Observed: 1 variant allele.
Comment: CTU2: BP4, BP7

NM_001012759.3(CTU2):c.375G>A (p.Glu125=)

Gene: CTU2 (cytosolic thiouridylase subunit 2; plus strand). Cytogenetic location: 16q24.3.
Variant type: single nucleotide variant.
Coding change: c.375G>A on transcript NM_001012759.3 (MANE Select); coding-DNA position 375, G replaced by A.
Protein change: p.Glu125=; no amino-acid change (glutamic acid 125 retained).
Molecular consequence: synonymous variant.
Genome position (GRCh38, 1-based): chr16:88,712,305, G>A. VCF-style: chr16-88712305-G-A. GRCh37 (hg19) VCF-style: chr16-88778713-G-A.
Other names: c.375G>A, p.Glu125= (NM_001012762.3); c.588G>A, p.Glu196= (NM_001318507.2); c.114G>A, p.Glu38= (NM_001318513.2).
Identifiers: ClinVar variation 4534675 (VCV004534675.6).
Genomic context (GRCh38, chr16:88,712,305, plus strand): 5'-CCCTGACTCTTTCTGCCTGGGTTTTTCAGAGGGAGCAGCCTGTGGCCAGAGCCTAGAGGA[G>A]AGATCAAAGACCCTGGCCGAAGTGAAGCCCATTCTGCAAGCAACTGGGTTCCCATGGCAT-3'
Protein context (NP_001012777.1, residues 115-135): EGAACGQSLE[Glu125=]RSKTLAEVKP